The following is an entry in ClinVar:

ClinVar aggregate classification (germline): Likely pathogenic (1 of 4 stars; one submission).

Allele frequency attached by ClinVar (database versions not stated): gnomAD exomes below 0.00001; TOPMed below 0.00001; ExAC 0.00001.

Submission:

Labcorp Genetics (formerly Invitae), Labcorp
Classification: Likely pathogenic. Last evaluated: 2026-01-28. Review status: criteria provided, single submitter. Criteria: Invitae Variant Classification Sherloc (09022015). Collection method: clinical testing. Allele origin: germline.
Comment: This variant, c.1591_1599del, results in the deletion of 3 amino acid(s) of the COL4A5 protein (p.Ile531_Gly533del), but otherwise preserves the integrity of the reading frame. This variant is present in population databases (rs768382989, gnomAD 0.008%). This variant has not been reported in the literature in individuals affected with COL4A5-related conditions. ClinVar contains an entry for this variant (Variation ID: 2869466). This variant disrupts the triple helix domain of COL4A5. Glycine residues within the Gly-Xaa-Yaa repeats of the triple helix domain are required for the structure and stability of fibrillar collagens (PMID: 7695699, 8218237, 19344236). In COL4A5, missense variants at these glycine residues are significantly enriched in individuals with disease (PMID: 23720012, 27627812) compared to the general population (ExAC). In summary, the currently available evidence indicates that the variant is pathogenic, but additional data are needed to prove that conclusively. Therefore, this variant has been classified as Likely Pathogenic.

Literature cited by the submitters: PubMed 7695699; PubMed 8218237; PubMed 19344236; PubMed 23720012; PubMed 27627812.

NM_033380.3(COL4A5):c.1591_1599del (p.Ile531_Gly533del)

Gene: COL4A5 (collagen type IV alpha 5 chain; plus strand). Cytogenetic location: Xq22.3.
Variant type: Deletion.
Coding change: c.1591_1599del on transcript NM_033380.3 (MANE Select); coding-DNA positions 1591 to 1599, 9 bases deleted (ATTCCAGGA; older notation c.1591_1599delATTCCAGGA).
Protein change: p.Ile531_Gly533del.
Molecular consequence: inframe deletion.
Genome position (GRCh38, 1-based): chrX:108,597,380-108,597,388, ATTCCAGGA deleted. VCF-style (leftmost placement, unchanged base first): chrX-108597379-CATTCCAGGA-C. GRCh37 (hg19) VCF-style: chrX-107840609-CATTCCAGGA-C.
Other names: c.1591_1599del, p.Ile531_Gly533del (NM_000495.5).
Identifiers: ClinVar variation 2869466 (VCV002869466.3), dbSNP rs768382989, ClinGen allele CA10488777.
Genomic context (GRCh38, chrX:108,597,379, plus strand): 5'-TTCTTTTTCTCTTTCTTCTTTTTCCACTCTTTTTTCTTTTTTTCCTTACTCATTTCAGGG[CATTCCAGGA>C]GCTCCAGGTGCTCCAGGCTTTCCTGGATCTAAAGGTGAACCTGGTGATATCCTCACTTTT-3'